The following is an entry in ClinVar:

ClinVar aggregate classification (germline): Uncertain significance. Review status: criteria provided, multiple submitters, no conflicts (2 of 4 stars). 3 submissions from 3 submitters: Uncertain significance (2). 1 of the submissions does not count toward it. Last evaluated 2024-07-17.

Conditions:
Inborn genetic diseases. Identifiers: MedGen C0950123, MeSH D030342.
Autosomal dominant Alport syndrome (ATS3A). Also called: ALPORT SYNDROME 3A, AUTOSOMAL DOMINANT; Alport syndrome dominant type; Renal failure and sensorineural hearing loss. Identifiers: Orphanet 63, Orphanet 88918, MedGen C5882663, MONDO:0007086, OMIM 104200.

Allele frequency attached by ClinVar (database versions not stated): gnomAD exomes below 0.00001; TOPMed below 0.00001.
gnomAD v4.1: 2 of 1,605,796 alleles (0.00012%); highest among the groups gnomAD compares: Non-Finnish European, 0.00017%; no homozygotes.

Submissions (3):

Labcorp Genetics (formerly Invitae), Labcorp
Classification: Uncertain significance. Last evaluated: 2024-07-17. Review status: criteria provided, single submitter. Criteria: Invitae Variant Classification Sherloc (09022015). Collection method: clinical testing. Allele origin: germline.
Comment: This sequence change replaces proline, which is neutral and non-polar, with serine, which is neutral and polar, at codon 1277 of the COL4A4 protein (p.Pro1277Ser). This variant is not present in population databases (gnomAD no frequency). This variant has not been reported in the literature in individuals affected with COL4A4-related conditions. ClinVar contains an entry for this variant (Variation ID: 522414). Advanced modeling of protein sequence and biophysical properties (such as structural, functional, and spatial information, amino acid conservation, physicochemical variation, residue mobility, and thermodynamic stability) performed at Invitae indicates that this missense variant is not expected to disrupt COL4A4 protein function with a negative predictive value of 95%. In summary, the available evidence is currently insufficient to determine the role of this variant in disease. Therefore, it has been classified as a Variant of Uncertain Significance.

Ambry Genetics
Classification: Uncertain significance for Inborn genetic diseases. Last evaluated: 2024-06-16. Review status: criteria provided, single submitter. Criteria: Ambry Variant Classification Scheme 2023. Collection method: clinical testing. Allele origin: germline.

Bioscientia Institut fuer Medizinische Diagnostik GmbH, Sonic Healthcare
Classification: Uncertain significance for Autosomal dominant Alport syndrome. Last evaluated: 2017-09-18. Review status: no assertion criteria provided. Collection method: clinical testing. Allele origin: germline. Affected: yes. Not counted in ClinVar's aggregate classification.

NM_000092.5(COL4A4):c.3829C>T (p.Pro1277Ser)

Gene: COL4A4 (collagen type IV alpha 4 chain; minus strand). Cytogenetic location: 2q36.3.
Variant type: single nucleotide variant.
Coding change: c.3829C>T on transcript NM_000092.5 (MANE Select); coding-DNA position 3829, C replaced by T.
Protein change: p.Pro1277Ser; replaces proline 1277 with serine.
Molecular consequence: missense variant.
Genome position (GRCh38, 1-based): chr2:227,030,587, G>A on the plus strand (C>T on the coding strand, the complement: COL4A4 is on the minus strand). VCF-style: chr2-227030587-G-A. GRCh37 (hg19) VCF-style: chr2-227895303-G-A.
Other names: short protein forms P1277S.
Identifiers: ClinVar variation 522414 (VCV000522414.7), dbSNP rs1037084154, ClinGen allele CA66560069.